The following is an entry in ClinVar:

NM_024675.4(PALB2):c.3239_3240del (p.Lys1080fs)

Gene: PALB2 (partner and localizer of BRCA2; minus strand). Cytogenetic location: 16p12.2.
Variant type: Deletion.
Coding change: c.3239_3240del on transcript NM_024675.4 (MANE Select); coding-DNA positions 3239 to 3240, 2 bases deleted (AA; older notation c.3239_3240delAA).
Protein change: p.Lys1080fs; shifts the reading frame from lysine 1080.
Molecular consequence: frameshift variant.
Genome position (GRCh38, 1-based): chr16:23,607,974-23,607,975, TT deleted on the plus strand (AA on the coding strand, the reverse complement: PALB2 is on the minus strand); deleting any 2 consecutive bases within chr16:23,607,974-23,607,976 gives the same sequence; the c. name uses the placement nearest the transcript's 3' end. VCF-style (leftmost placement, unchanged base first): chr16-23607973-CTT-C. GRCh37 (hg19) VCF-style: chr16-23619294-CTT-C.
Other names: c.3239_3240delAA (NM_024675.3); short protein forms K1080fs.
Identifiers: ClinVar variation 246042 (VCV000246042.18), dbSNP rs879254060, ClinGen allele CA10584503.

ClinVar aggregate classification (germline): Pathogenic/Likely pathogenic. Review status: criteria provided, multiple submitters, no conflicts (2 of 4 stars). 4 submissions from 4 submitters: Pathogenic (3); Likely pathogenic (1). Last evaluated 2025-12-23.

Conditions:
Hereditary cancer-predisposing syndrome. Also called: Hereditary neoplastic syndrome; Neoplastic Syndromes, Hereditary; Tumor predisposition; Hereditary Cancer Syndrome. Identifiers: Orphanet 140162, MedGen C0027672, MeSH D009386, MONDO:0015356.
Familial cancer of breast. Also called: BREAST CANCER, FAMILIAL; Hereditary breast cancer; hereditary breast carcinoma. Identifiers: Orphanet 227535, MedGen C0346153, MONDO:0016419, OMIM 114480. Disease mechanism: loss of function.

Submissions (4):

Labcorp Genetics (formerly Invitae), Labcorp
Classification: Pathogenic for Familial cancer of breast. Last evaluated: 2025-12-23. Review status: criteria provided, single submitter. Criteria: Invitae Variant Classification Sherloc (09022015). Collection method: clinical testing. Allele origin: germline.
Comment: This sequence change creates a premature translational stop signal (p.Lys1080Argfs*3) in the PALB2 gene. It is expected to result in an absent or disrupted protein product. Loss-of-function variants in PALB2 are known to be pathogenic (PMID: 17200668, 17200671, 17200672, 24136930, 25099575). This variant is not present in population databases (gnomAD no frequency). This variant has not been reported in the literature in individuals affected with PALB2-related conditions. ClinVar contains an entry for this variant (Variation ID: 246042). Algorithms developed to predict the effect of sequence changes on RNA splicing suggest that this variant may disrupt the consensus splice site. For these reasons, this variant has been classified as Pathogenic.

Ambry Genetics
Classification: Pathogenic for Hereditary cancer-predisposing syndrome. Last evaluated: 2025-10-06. Review status: criteria provided, single submitter. Criteria: Ambry Variant Classification Scheme 2023. Collection method: clinical testing. Allele origin: germline.
Comment: The c.3239_3240delAA pathogenic mutation, located in coding exon 12 of the PALB2 gene, results from a deletion of two nucleotides at nucleotide positions 3239 to 3240, causing a translational frameshift with a predicted alternate stop codon (p.K1080Rfs*3). This alteration is expected to result in loss of function by premature protein truncation or nonsense-mediated mRNA decay. As such, this alteration is interpreted as a disease-causing mutation.

Myriad Genetics, Inc.
Classification: Pathogenic for Familial cancer of breast. Last evaluated: 2023-09-14. Review status: criteria provided, single submitter. Criteria: Myriad Autosomal Dominant, Autosomal Recessive and X-Linked Classification Criteria (2023). Collection method: clinical testing. Allele origin: unknown.
Comment: This variant is considered pathogenic. This variant creates a frameshift predicted to result in premature protein truncation.

GeneDx
Classification: Likely pathogenic. Last evaluated: 2015-11-04. Review status: criteria provided, single submitter. Criteria: GeneDx Variant Classification (06012015). Collection method: clinical testing. Allele origin: germline. Affected: yes.
Comment: This deletion of 2 nucleotides in PALB2 is denoted c.3239_3240delAA at the cDNA level and p.Lys1080ArgfsX3(K1080RfsX3) at the protein level. The normal sequence, with the bases that are deleted in braces, is GCCA[AA]GAGA. The deletion causes a frameshift, which changes a Lysine to an Arginine at codon 1080, and creates a premature stop codon at position 3 of the new reading frame. Although this variant has not, to our knowledge, been reported in the literature, it is predicted to cause loss of normal protein function through either protein truncation or nonsense-mediated mRNA decay. Based on the currently available information, we consider this deletion to be a likely pathogenic variant.

Literature cited by the submitters: PubMed 17200668 (cited by Labcorp Genetics (formerly Invitae), Labcorp); PubMed 17200671 (cited by Labcorp Genetics (formerly Invitae), Labcorp); PubMed 17200672 (cited by Labcorp Genetics (formerly Invitae), Labcorp); PubMed 24136930 (cited by Labcorp Genetics (formerly Invitae), Labcorp); PubMed 25099575 (cited by Labcorp Genetics (formerly Invitae), Labcorp).